The following is an entry in ClinVar:

NM_174916.3(UBR1):c.1444A>G (p.Ile482Val)

Gene: UBR1 (ubiquitin protein ligase E3 component n-recognin 1; minus strand). Cytogenetic location: 15q15.2.
Variant type: single nucleotide variant.
Coding change: c.1444A>G on transcript NM_174916.3 (MANE Select); coding-DNA position 1444, A replaced by G.
Protein change: p.Ile482Val; replaces isoleucine 482 with valine.
Molecular consequence: missense variant.
Genome position (GRCh38, 1-based): chr15:43,048,487, T>C on the plus strand (A>G on the coding strand, the complement: UBR1 is on the minus strand). VCF-style: chr15-43048487-T-C. GRCh37 (hg19) VCF-style: chr15-43340685-T-C.
Other names: c.1444A>G (NM_174916.2); short protein forms I482V.
Identifiers: ClinVar variation 1919096 (VCV001919096.6), dbSNP rs2542999500, ClinGen allele CA392070780.

ClinVar aggregate classification (germline): Uncertain significance. Review status: criteria provided, multiple submitters, no conflicts (2 of 4 stars). 2 submissions from 2 submitters: Uncertain significance (2). Last evaluated 2024-12-07.

Conditions:
Inborn genetic diseases. Identifiers: MedGen C0950123, MeSH D030342.

Allele frequency attached by ClinVar (database versions not stated): gnomAD exomes below 0.00001.
gnomAD v4.1: 5 of 1,610,572 alleles (0.00031%); highest among the groups gnomAD compares: African/African-American, 0.004%; no homozygotes.

Submissions (2):

Ambry Genetics
Classification: Uncertain significance for Inborn genetic diseases. Last evaluated: 2024-12-07. Review status: criteria provided, single submitter. Criteria: Ambry Variant Classification Scheme 2023. Collection method: clinical testing. Allele origin: germline.

Labcorp Genetics (formerly Invitae), Labcorp
Classification: Uncertain significance. Last evaluated: 2022-07-19. Review status: criteria provided, single submitter. Criteria: Invitae Variant Classification Sherloc (09022015). Collection method: clinical testing. Allele origin: germline.
Comment: Algorithms developed to predict the effect of missense changes on protein structure and function output the following: SIFT: "Deleterious"; PolyPhen-2: "Benign"; Align-GVGD: "Class C0". The valine amino acid residue is found in multiple mammalian species, which suggests that this missense change does not adversely affect protein function. In summary, the available evidence is currently insufficient to determine the role of this variant in disease. Therefore, it has been classified as a Variant of Uncertain Significance. Algorithms developed to predict the effect of sequence changes on RNA splicing suggest that this variant may create or strengthen a splice site. This variant has not been reported in the literature in individuals affected with UBR1-related conditions. This variant is not present in population databases (gnomAD no frequency). This sequence change replaces isoleucine, which is neutral and non-polar, with valine, which is neutral and non-polar, at codon 482 of the UBR1 protein (p.Ile482Val).